The following is an entry in ClinVar:

NM_148919.4(PSMB8):c.331C>A (p.Pro111Thr)

Gene: PSMB8 (proteasome 20S subunit beta 8; minus strand). Cytogenetic location: 6p21.32.
Variant type: single nucleotide variant.
Coding change: c.331C>A on transcript NM_148919.4 (MANE Select); coding-DNA position 331, C replaced by A.
Protein change: p.Pro111Thr; replaces proline 111 with threonine.
Molecular consequence: missense variant.
Genome position (GRCh38, 1-based): chr6:32,842,748, G>T on the plus strand (C>A on the coding strand, the complement: PSMB8 is on the minus strand). VCF-style: chr6-32842748-G-T. GRCh37 (hg19) VCF-style: chr6-32810525-G-T.
Other names: c.319C>A, p.Pro107Thr (NM_004159.5); short protein forms P107T, P111T.
Identifiers: ClinVar variation 953261 (VCV000953261.1), dbSNP rs1769997640, ClinGen allele CA363589227.

ClinVar aggregate classification (germline): Uncertain significance (1 of 4 stars; one submission).

Conditions:
Proteasome-associated autoinflammatory syndrome 1 (PRAAS1). Also called: Nakajo syndrome; JOINT CONTRACTURES, MUSCULAR ATROPHY, MICROCYTIC ANEMIA, AND PANNICULITIS-INDUCED LIPODYSTROPHY; JMP SYNDROME; AUTOINFLAMMATION, LIPODYSTROPHY, AND DERMATOSIS SYNDROME; NAKAJO-NISHIMURA SYNDROME; CHRONIC ATYPICAL NEUTROPHILIC DERMATOSIS WITH LIPODYSTROPHY AND ELEVATED TEMPERATURE SYNDROME. Identifiers: Orphanet 2615, Orphanet 324977, Orphanet 324999, Orphanet 325004, MedGen C4746851, MONDO:0054698, OMIM 256040.

Submission:

Labcorp Genetics (formerly Invitae), Labcorp
Classification: Uncertain significance for Nakajo-Nishimura syndrome. Last evaluated: 2019-08-05. Review status: criteria provided, single submitter. Criteria: Invitae Variant Classification Sherloc (09022015). Collection method: clinical testing. Allele origin: germline.
Comment: This sequence change replaces proline with threonine at codon 111 of the PSMB8 protein (p.Pro111Thr). The proline residue is highly conserved and there is a small physicochemical difference between proline and threonine. This variant is not present in population databases (ExAC no frequency). This variant has not been reported in the literature in individuals with PSMB8-related conditions. Algorithms developed to predict the effect of missense changes on protein structure and function (SIFT, PolyPhen-2, Align-GVGD) all suggest that this variant is likely to be tolerated, but these predictions have not been confirmed by published functional studies and their clinical significance is uncertain. In summary, the available evidence is currently insufficient to determine the role of this variant in disease. Therefore, it has been classified as a Variant of Uncertain Significance.